The following is an entry in ClinVar:

ClinVar aggregate classification (germline): Uncertain significance (1 of 4 stars; one submission).

Conditions:
Autosomal recessive limb-girdle muscular dystrophy type 2Y (MRRSDC). Also called: Muscular dystrophy, limb-girdle, type 2y; Muscular dystrophy, autosomal recessive, with rigid spine and distal joint contractures. Identifiers: Orphanet 424261, MedGen C4511482, MONDO:0014900, OMIM 617072.

Allele frequency attached by ClinVar (database versions not stated): gnomAD exomes below 0.00001; TOPMed below 0.00001.
gnomAD v4.1: 1 of 1,613,442 alleles (0.000062%); highest among the groups gnomAD compares: Non-Finnish European, 0.000085%; no homozygotes.

Submission:

Labcorp Genetics (formerly Invitae), Labcorp
Classification: Uncertain significance for Autosomal recessive limb-girdle muscular dystrophy type 2Y. Last evaluated: 2022-02-01. Review status: criteria provided, single submitter. Criteria: Invitae Variant Classification Sherloc (09022015). Collection method: clinical testing. Allele origin: germline.
Comment: In summary, the available evidence is currently insufficient to determine the role of this variant in disease. Therefore, it has been classified as a Variant of Uncertain Significance. Algorithms developed to predict the effect of missense changes on protein structure and function are either unavailable or do not agree on the potential impact of this missense change (SIFT: "Deleterious"; PolyPhen-2: "Probably Damaging"; Align-GVGD: "Class C0"). This sequence change replaces phenylalanine, which is neutral and non-polar, with isoleucine, which is neutral and non-polar, at codon 90 of the TOR1AIP1 protein (p.Phe90Ile). This variant is present in population databases (no rsID available, gnomAD 0.0009%). This variant has not been reported in the literature in individuals affected with TOR1AIP1-related conditions.

NM_015602.4(TOR1AIP1):c.268T>A (p.Phe90Ile)

Genes: TOR1AIP1 (torsin 1A interacting protein 1; plus strand), LOC112577517 (Sharpr-MPRA regulatory region 13766; plus strand). Cytogenetic location: 1q25.2.
Variant type: single nucleotide variant.
Coding change: c.268T>A on transcript NM_015602.4 (MANE Select); coding-DNA position 268, T replaced by A.
Protein change: p.Phe90Ile; replaces phenylalanine 90 with isoleucine.
Molecular consequence: missense variant.
Genome position (GRCh38, 1-based): chr1:179,882,770, T>A. VCF-style: chr1-179882770-T-A. GRCh37 (hg19) VCF-style: chr1-179851905-T-A.
Other names: c.268T>A, p.Phe90Ile (NM_001267578.2); short protein forms F90I.
Identifiers: ClinVar variation 1525752 (VCV001525752.6), dbSNP rs1331015462, ClinGen allele CA343577959.